The following is an entry in ClinVar:

ClinVar aggregate classification (germline): Conflicting classifications of pathogenicity. Review status: criteria provided, conflicting classifications (1 of 4 stars). 3 submissions from 3 submitters: Uncertain significance (2); Likely benign (1). Last evaluated 2025-09-14.

Conditions:
Cardiovascular phenotype. Identifiers: MedGen CN230736.
Dilated cardiomyopathy 1AA (CMD1AA). Also called: CARDIOMYOPATHY, DILATED, 1AA, WITH OR WITHOUT LEFT VENTRICULAR NONCOMPACTION; CARDIOMYOPATHY, FAMILIAL HYPERTROPHIC, 23, WITH OR WITHOUT LEFT VENTRICULAR NONCOMPACTION; Cardiomyopathy, dilated, 1AA, with or without LVNC. Identifiers: Orphanet 154, MedGen C2677338, MONDO:0012808, OMIM 612158.
Primary familial hypertrophic cardiomyopathy (HCM). Identifiers: Orphanet 99739, MedGen C0949658, MeSH D024741, MONDO:0024573. Inheritance: Various modes of inheritance.

Allele frequency attached by ClinVar (database versions not stated): gnomAD exomes below 0.00001 and 0.00002; TOPMed below 0.00001; gnomAD 0.00001.
gnomAD v4.1: 9 of 1,613,962 alleles (0.00056%); highest among the groups gnomAD compares: South Asian, 0.0055%; no homozygotes.

Submissions (3):

Labcorp Genetics (formerly Invitae), Labcorp
Classification: Likely benign for Primary familial hypertrophic cardiomyopathy; Dilated cardiomyopathy 1AA. Last evaluated: 2025-09-14. Review status: criteria provided, single submitter. Criteria: Invitae Variant Classification Sherloc (09022015). Collection method: clinical testing. Allele origin: germline.

Ambry Genetics
Classification: Uncertain significance for Cardiovascular phenotype. Last evaluated: 2025-04-22. Review status: criteria provided, single submitter. Criteria: Ambry Variant Classification Scheme 2023. Collection method: clinical testing. Allele origin: germline.
Comment: The p.T564M variant (also known as c.1691C>T), located in coding exon 15 of the ACTN2 gene, results from a C to T substitution at nucleotide position 1691. The threonine at codon 564 is replaced by methionine, an amino acid with similar properties. This variant has been reported in a hypertrophic cardiomyopathy (HCM) cohort (Janin A et al. Mol Diagn Ther, 2021 May;25:373-385). This amino acid position is highly conserved in available vertebrate species. In addition, the in silico prediction for this alteration is inconclusive. Based on the available evidence, the clinical significance of this variant remains unclear.

Stanford Center for Inherited Cardiovascular Disease, Stanford University
Classification: Uncertain significance. Last evaluated: 2015-09-23. Review status: criteria provided, single submitter. Criteria: ACMG Guidelines, 2015. Collection method: provider interpretation. Allele origin: germline.

Literature cited by the submitters: PubMed 33954932 (cited by Ambry Genetics).

NM_001103.4(ACTN2):c.1691C>T (p.Thr564Met)

Gene: ACTN2 (actinin alpha 2; plus strand). Cytogenetic location: 1q43.
Variant type: single nucleotide variant.
Coding change: c.1691C>T on transcript NM_001103.4 (MANE Select); coding-DNA position 1691, C replaced by T.
Protein change: p.Thr564Met; replaces threonine 564 with methionine.
Molecular consequence: missense variant.
Genome position (GRCh38, 1-based): chr1:236,751,504, C>T. VCF-style: chr1-236751504-C-T. GRCh37 (hg19) VCF-style: chr1-236914804-C-T.
Other names: c.1691C>T, p.Thr564Met (NM_001278343.2); c.1067C>T, p.Thr356Met (NM_001278344.2); short protein forms T564M, T356M.
Identifiers: ClinVar variation 234977 (VCV000234977.24), dbSNP rs876661341, ClinGen allele CA10581130.